The following is an entry in ClinVar:

ClinVar aggregate classification (germline): Benign. Review status: criteria provided, multiple submitters, no conflicts (2 of 4 stars). 7 submissions from 7 submitters: Benign (6). 1 of the submissions does not count toward it. Last evaluated 2026-02-03.

Conditions:
Inborn genetic diseases. Identifiers: MedGen C0950123, MeSH D030342.
Intellectual developmental disorder, autosomal recessive 5. Also called: Intellectual disability, autosomal recessive 5. Identifiers: Orphanet 88616, MedGen C1970199, MONDO:0012613, OMIM 611091.

Allele frequency attached by ClinVar (database versions not stated): 1000 Genomes Project 0.27656; 1000 Genomes Project 30x 0.28326; ExAC 0.29417; gnomAD 0.33328 and 0.33934; TOPMed 0.33955; gnomAD exomes 0.34302 and 0.36041.
gnomAD v4.1: 540,465 of 1,511,566 alleles (36%); highest among the groups gnomAD compares: Middle Eastern, 39%; 99,578 homozygotes.

Submissions (7):

Labcorp Genetics (formerly Invitae), Labcorp
Classification: Benign. Last evaluated: 2026-02-03. Review status: criteria provided, single submitter. Criteria: Invitae Variant Classification Sherloc (09022015). Collection method: clinical testing. Allele origin: germline.

Blueprint Genetics
Classification: Benign. Last evaluated: 2024-11-26. Review status: criteria provided, single submitter. Criteria: ACMG Guidelines, 2015. Collection method: clinical testing. Allele origin: germline.

GeneDx
Classification: Benign. Last evaluated: 2018-10-01. Review status: criteria provided, single submitter. Criteria: GeneDx Variant Classification Process June 2021. Collection method: clinical testing. Allele origin: germline. Affected: yes.

Illumina Laboratory Services, Illumina
Classification: Benign for Intellectual developmental disorder, autosomal recessive 5. Last evaluated: 2018-01-13. Review status: criteria provided, single submitter. Criteria: ICSL Variant Classification Criteria 13 December 2019. Collection method: clinical testing. Allele origin: germline.
Comment: This variant was observed in the ICSL laboratory as part of a predisposition screen in an ostensibly healthy population. It had not been previously curated by ICSL or reported in the Human Gene Mutation Database (HGMD: prior to June 1st, 2018), and was therefore a candidate for classification through an automated scoring system. Utilizing variant allele frequency, disease prevalence and penetrance estimates, and inheritance mode, an automated score was calculated to assess if this variant is too frequent to cause the disease. Based on the score and internal cut-off values, a variant classified as benign is not then subjected to further curation. The score for this variant resulted in a classification of benign for this disease.

Ambry Genetics
Classification: Benign for Inborn genetic diseases. Last evaluated: 2016-03-11. Review status: criteria provided, single submitter. Criteria: Ambry Variant Classification Scheme 2023. Collection method: clinical testing. Allele origin: germline.

Breakthrough Genomics
Classification: Benign. Review status: criteria provided, single submitter. Criteria: ACMG Guidelines, 2015. Collection method: not provided. Allele origin: germline. Inheritance: Autosomal recessive inheritance. Affected: yes.

Genetic Services Laboratory, University of Chicago
Classification: Likely benign for AllHighlyPenetrant. Review status: no assertion criteria provided. Collection method: clinical testing. Allele origin: germline. Inheritance: Autosomal recessive inheritance. Not counted in ClinVar's aggregate classification.
Comment: Likely benign based on allele frequency in 1000 Genomes Project or ESP global frequency and its presence in a patient with a rare or unrelated disease phenotype. NOT Sanger confirmed.

NM_017755.6(NSUN2):c.51G>A (p.Glu17=)

Gene: NSUN2 (NOP2/Sun RNA methyltransferase 2; minus strand). Cytogenetic location: 5p15.31.
Variant type: single nucleotide variant.
Coding change: c.51G>A on transcript NM_017755.6 (MANE Select); coding-DNA position 51, G replaced by A.
Protein change: p.Glu17=; no amino-acid change (glutamic acid 17 retained).
Molecular consequence: synonymous variant. On other transcripts: non-coding transcript variant (1).
Genome position (GRCh38, 1-based): chr5:6,632,929, C>T on the plus strand (G>A on the coding strand, the complement: NSUN2 is on the minus strand). VCF-style: chr5-6632929-C-T. GRCh37 (hg19) VCF-style: chr5-6633042-C-T.
Other names: c.51G>A, p.Glu17= (NM_001193455.2).
Identifiers: ClinVar variation 129842 (VCV000129842.25), dbSNP rs10062086, ClinGen allele CA154172.